The following is an entry in ClinVar:

NM_000051.4(ATM):c.7869_7870del (p.Leu2623_Cys2624insTer)

Genes: ATM (ATM serine/threonine kinase; plus strand), C11orf65 (chromosome 11 open reading frame 65; minus strand). Cytogenetic location: 11q22.3.
Variant type: Deletion.
Coding change: c.7869_7870del on transcript NM_000051.4 (MANE Select); coding-DNA positions 7869 to 7870, 2 bases deleted (TT; older notation c.7869_7870delTT).
Protein change: p.Leu2623_Cys2624insTer.
Molecular consequence: frameshift variant. On other transcripts: intron variant (2).
Genome position (GRCh38, 1-based): chr11:108,332,842-108,332,843, TT deleted; deleting any 2 consecutive bases within chr11:108,332,841-108,332,843 gives the same sequence; the c. name uses the placement nearest the transcript's 3' end. VCF-style (leftmost placement, unchanged base first): chr11-108332840-CTT-C. GRCh37 (hg19) VCF-style: chr11-108203567-CTT-C.
Other names: c.7869_7870del, p.Leu2623_Cys2624insTer (NM_001351834.2); c.641-23771_641-23770del (NM_001330368.2); c.*38+2378_*38+2379del (NM_001351110.2).
Identifiers: ClinVar variation 4866127 (VCV004866127.1).

ClinVar aggregate classification (germline): Pathogenic (1 of 4 stars; one submission).

Conditions:
Hereditary cancer-predisposing syndrome. Also called: Tumor predisposition; Hereditary neoplastic syndrome; Hereditary Cancer Syndrome; Neoplastic Syndromes, Hereditary. Identifiers: Orphanet 140162, MedGen C0027672, MeSH D009386, MONDO:0015356.

Submission:

Ambry Genetics
Classification: Pathogenic for Hereditary cancer-predisposing syndrome. Last evaluated: 2026-04-01. Review status: criteria provided, single submitter. Criteria: Ambry Variant Classification Scheme 2023. Collection method: clinical testing. Allele origin: germline.
Comment: The c.7869_7870delTT pathogenic mutation, located in coding exon 52 of the ATM gene, results from a deletion of two nucleotides at nucleotide positions 7869 to 7870, causing a translational frameshift with a predicted alternate stop codon (p.C2624*). This variant is considered to be rare based on population cohorts in the Genome Aggregation Database (gnomAD). This alteration is expected to result in loss of function by premature protein truncation or nonsense-mediated mRNA decay. As such, this alteration is interpreted as a disease-causing mutation.